The following is an entry in ClinVar:

NM_032638.5(GATA2):c.295G>C (p.Asp99His)

Gene: GATA2 (GATA binding protein 2; minus strand). Cytogenetic location: 3q21.3.
Variant type: single nucleotide variant.
Coding change: c.295G>C on transcript NM_032638.5 (MANE Select); coding-DNA position 295, G replaced by C.
Protein change: p.Asp99His; replaces aspartic acid 99 with histidine.
Molecular consequence: missense variant.
Genome position (GRCh38, 1-based): chr3:128,486,303, C>G on the plus strand (G>C on the coding strand, the complement: GATA2 is on the minus strand). VCF-style: chr3-128486303-C-G. GRCh37 (hg19) VCF-style: chr3-128205146-C-G.
Other names: c.295G>C, p.Asp99His (NM_001145661.2, NM_001145662.1); short protein forms D99H.
Identifiers: ClinVar variation 4028493 (VCV004028493.1).

ClinVar aggregate classification (germline): Uncertain significance (1 of 4 stars; one submission).

Conditions:
Inborn genetic diseases. Identifiers: MedGen C0950123, MeSH D030342.

Submission:

Ambry Genetics
Classification: Uncertain significance for Inborn genetic diseases. Last evaluated: 2025-04-19. Review status: criteria provided, single submitter. Criteria: Ambry Variant Classification Scheme 2023. Collection method: clinical testing. Allele origin: germline.
Comment: The p.D99H variant (also known as c.295G>C), located in coding exon 2 of the GATA2 gene, results from a G to C substitution at nucleotide position 295. The aspartic acid at codon 99 is replaced by histidine, an amino acid with similar properties. This amino acid position is conserved. In addition, the in silico prediction for this alteration is inconclusive. Based on the available evidence, the clinical significance of this variant remains unclear.